The following is an entry in ClinVar:

NM_001042681.2(RERE):c.4234G>A (p.Asp1412Asn)

Gene: RERE (arginine-glutamic acid dipeptide repeats; minus strand). Cytogenetic location: 1p36.23.
Variant type: single nucleotide variant.
Coding change: c.4234G>A on transcript NM_001042681.2 (MANE Select); coding-DNA position 4234, G replaced by A.
Protein change: p.Asp1412Asn; replaces aspartic acid 1412 with asparagine.
Molecular consequence: missense variant.
Genome position (GRCh38, 1-based): chr1:8,358,301, C>T on the plus strand (G>A on the coding strand, the complement: RERE is on the minus strand). VCF-style: chr1-8358301-C-T. GRCh37 (hg19) VCF-style: chr1-8418361-C-T.
Other names: c.2572G>A, p.Asp858Asn (NM_001042682.2); c.4234G>A, p.Asp1412Asn (NM_012102.4); c.4234G>A (NM_012102.3); short protein forms D1412N, D858N.
Identifiers: ClinVar variation 2184925 (VCV002184925.6), dbSNP rs1641381526, ClinGen allele CA338168936.

ClinVar aggregate classification (germline): Uncertain significance. Review status: criteria provided, multiple submitters, no conflicts (2 of 4 stars). 3 submissions from 3 submitters: Uncertain significance (3). Last evaluated 2025-09-13.

Conditions:
Inborn genetic diseases. Identifiers: MedGen C0950123, MeSH D030342.
RERE-related disorder. Also called: RERE-related condition; RERE-Related Disorders. Identifiers: MedGen CN381537.

Allele frequency attached by ClinVar (database versions not stated): TOPMed below 0.00001.
gnomAD v4.1: 24 of 1,613,548 alleles (0.0015%); highest among the groups gnomAD compares: Non-Finnish European, 0.002%; no homozygotes.

Submissions (3):

PreventionGenetics, part of Exact Sciences
Classification: Uncertain significance for RERE-related condition. Last evaluated: 2025-09-13. Review status: criteria provided, single submitter. Criteria: ACMG Guidelines, 2015. Collection method: clinical testing. Allele origin: germline.
Comment: The RERE c.4234G>A variant is predicted to result in the amino acid substitution p.Asp1412Asn. To our knowledge, this variant has not been reported in the literature or in gnomAD, indicating this variant is rare. At this time, the clinical significance of this variant is uncertain due to the absence of conclusive functional and genetic evidence.

Ambry Genetics
Classification: Uncertain significance for Inborn genetic diseases. Last evaluated: 2025-08-24. Review status: criteria provided, single submitter. Criteria: Ambry Variant Classification Scheme 2023. Collection method: clinical testing. Allele origin: germline.

Labcorp Genetics (formerly Invitae), Labcorp
Classification: Uncertain significance. Last evaluated: 2023-11-27. Review status: criteria provided, single submitter. Criteria: Invitae Variant Classification Sherloc (09022015). Collection method: clinical testing. Allele origin: germline.
Comment: This sequence change replaces aspartic acid, which is acidic and polar, with asparagine, which is neutral and polar, at codon 1412 of the RERE protein (p.Asp1412Asn). This variant is not present in population databases (gnomAD no frequency). This variant has not been reported in the literature in individuals affected with RERE-related conditions. ClinVar contains an entry for this variant (Variation ID: 2184925). Advanced modeling of protein sequence and biophysical properties (such as structural, functional, and spatial information, amino acid conservation, physicochemical variation, residue mobility, and thermodynamic stability) has been performed at Invitae for this missense variant, however the output from this modeling did not meet the statistical confidence thresholds required to predict the impact of this variant on RERE protein function. In summary, the available evidence is currently insufficient to determine the role of this variant in disease. Therefore, it has been classified as a Variant of Uncertain Significance.